The following is an entry in ClinVar:

ClinVar aggregate classification (germline): Uncertain significance. Review status: criteria provided, multiple submitters, no conflicts (2 of 4 stars). 2 submissions from 2 submitters: Uncertain significance (2). Last evaluated 2023-04-25.

Conditions:
Primary ciliary dyskinesia. Also called: Ciliary dyskinesia. Identifiers: Orphanet 244, MedGen C0008780, MONDO:0016575, HP:0012265.

Allele frequency attached by ClinVar (database versions not stated): ExAC 0.00002; gnomAD 0.00002; TOPMed 0.00002; gnomAD exomes 0.00003.
gnomAD v4.1: 69 of 1,613,976 alleles (0.0043%); highest among the groups gnomAD compares: Non-Finnish European, 0.0053%; no homozygotes.

Submissions (2):

Ambry Genetics
Classification: Uncertain significance for Primary ciliary dyskinesia. Last evaluated: 2023-04-25. Review status: criteria provided, single submitter. Criteria: Ambry Variant Classification Scheme 2023. Collection method: clinical testing. Allele origin: germline.

Labcorp Genetics (formerly Invitae), Labcorp
Classification: Uncertain significance for Primary ciliary dyskinesia. Last evaluated: 2022-06-01. Review status: criteria provided, single submitter. Criteria: Invitae Variant Classification Sherloc (09022015). Collection method: clinical testing. Allele origin: germline.
Comment: This sequence change replaces tyrosine, which is neutral and polar, with phenylalanine, which is neutral and non-polar, at codon 609 of the CCDC114 protein (p.Tyr609Phe). This variant is present in population databases (rs780723224, gnomAD 0.006%). This variant has not been reported in the literature in individuals affected with CCDC114-related conditions. ClinVar contains an entry for this variant (Variation ID: 525244). Algorithms developed to predict the effect of missense changes on protein structure and function are either unavailable or do not agree on the potential impact of this missense change (SIFT: "Deleterious"; PolyPhen-2: "Benign"; Align-GVGD: "Class C0"). In summary, the available evidence is currently insufficient to determine the role of this variant in disease. Therefore, it has been classified as a Variant of Uncertain Significance.

NM_001364171.2(ODAD1):c.1937A>T (p.Tyr646Phe)

Gene: ODAD1 (outer dynein arm docking complex subunit 1; minus strand). Cytogenetic location: 19q13.33.
Variant type: single nucleotide variant.
Coding change: c.1937A>T on transcript NM_001364171.2 (MANE Select); coding-DNA position 1937, A replaced by T.
Protein change: p.Tyr646Phe; replaces tyrosine 646 with phenylalanine.
Molecular consequence: missense variant.
Genome position (GRCh38, 1-based): chr19:48,297,163, T>A on the plus strand (A>T on the coding strand, the complement: ODAD1 is on the minus strand). VCF-style: chr19-48297163-T-A. GRCh37 (hg19) VCF-style: chr19-48800420-T-A.
Other names: c.1826A>T, p.Tyr609Phe (NM_144577.4); short protein forms Y609F, Y646F.
Identifiers: ClinVar variation 525244 (VCV000525244.8), dbSNP rs780723224, ClinGen allele CA9548520.
Genomic context (GRCh38, chr19:48,297,163, plus strand): 5'-ACACCACCCTCTGTGTTTTCTCCGCCCCTGCTGGACCCCACGTATCCAGTGGAGCCCAGG[T>A]AGCTGCTGGCGCTGACGGGTCTGAAGGTCACGTGGCCCCCACTCGAGGCACTGGTGGAGC-3'
Protein context (NP_001351100.1, residues 636-656): VTFRPVSASS[Tyr646Phe]LGSTGYVGSS